The following is an entry in ClinVar:

NM_013372.7(GREM1):c.146C>G (p.Ser49Trp)

Gene: GREM1 (gremlin 1, DAN family BMP antagonist; plus strand). Cytogenetic location: 15q13.3.
Variant type: single nucleotide variant.
Coding change: c.146C>G on transcript NM_013372.7 (MANE Select); coding-DNA position 146, C replaced by G.
Protein change: p.Ser49Trp; replaces serine 49 with tryptophan.
Molecular consequence: missense variant. On other transcripts: intron variant (2).
Genome position (GRCh38, 1-based): chr15:32,730,836, C>G. VCF-style: chr15-32730836-C-G. GRCh37 (hg19) VCF-style: chr15-33023037-C-G.
Other names: c.146C>G, p.Ser49Trp (NM_001368719.1); c.114+32C>G (NM_001191323.2); c.28-92C>G (NM_001191322.2); short protein forms S49W.
Identifiers: ClinVar variation 3282652 (VCV003282652.2).
Genomic context (GRCh38, chr15:32,730,836, plus strand): 5'-CCCAAGGTGCCATCCCCCCGCCAGACAAGGCCCAGCACAATGACTCAGAGCAGACTCAGT[C>G]GCCCCAGCAGCCTGGCTCCAGGAACCGGGGGCGGGGCCAAGGGCGGGGCACTGCCATGCC-3'
Protein context (NP_037504.1, residues 39-59): AQHNDSEQTQ[Ser49Trp]PQQPGSRNRG

ClinVar aggregate classification (germline): Uncertain significance. Review status: criteria provided, multiple submitters, no conflicts (2 of 4 stars). 2 submissions from 2 submitters: Uncertain significance (2). Last evaluated 2024-05-31.

Conditions:
Hereditary cancer-predisposing syndrome. Also called: Tumor predisposition; Hereditary Cancer Syndrome; Hereditary neoplastic syndrome; Neoplastic Syndromes, Hereditary. Identifiers: Orphanet 140162, MedGen C0027672, MeSH D009386, MONDO:0015356.
Hereditary mixed polyposis syndrome. Also called: Hereditary Mixed Polyposis. Identifiers: Orphanet 157794, MedGen C5192681, MONDO:0011023.

Submissions (2):

Ambry Genetics
Classification: Uncertain significance for Hereditary cancer-predisposing syndrome. Last evaluated: 2024-05-31. Review status: criteria provided, single submitter. Criteria: Ambry Variant Classification Scheme 2023. Collection method: clinical testing. Allele origin: germline.
Comment: The p.S49W variant (also known as c.146C>G), located in coding exon 1 of the GREM1 gene, results from a C to G substitution at nucleotide position 146. The serine at codon 49 is replaced by tryptophan, an amino acid with highly dissimilar properties. This amino acid position is conserved. In addition, this alteration is predicted to be tolerated by in silico analysis. Based on the available evidence, the clinical significance of this variant remains unclear.

Molecular Pathology, Peter Maccallum Cancer Centre
Classification: Uncertain significance for Hereditary mixed polyposis syndrome. Last evaluated: 2024-01-15. Review status: criteria provided, single submitter. Criteria: ACMG Guidelines, 2015. Collection method: clinical testing. Allele origin: germline. Inheritance: Autosomal dominant inheritance.